The following is an entry in ClinVar:

NM_020822.3(KCNT1):c.3496G>A (p.Gly1166Ser)

Gene: KCNT1 (potassium sodium-activated channel subfamily T member 1; plus strand). Cytogenetic location: 9q34.3.
Variant type: single nucleotide variant.
Coding change: c.3496G>A on transcript NM_020822.3 (MANE Select); coding-DNA position 3496, G replaced by A.
Protein change: p.Gly1166Ser; replaces glycine 1166 with serine.
Molecular consequence: missense variant.
Genome position (GRCh38, 1-based): chr9:135,786,515, G>A. VCF-style: chr9-135786515-G-A. GRCh37 (hg19) VCF-style: chr9-138678361-G-A.
Other names: c.3361G>A, p.Gly1121Ser (NM_001272003.2); short protein forms G1166S, G1121S.
Identifiers: ClinVar variation 853887 (VCV000853887.9), dbSNP rs1201438079, ClinGen allele CA375492461.
Genomic context (GRCh38, chr9:135,786,515, plus strand): 5'-CGCCAGGAGCTCTCCGAGCTGGTGAAGAACCGCATGAAGCACCTGGGGCTGCCCACCACC[G>A]GCTACGGTAAGGGCACACGGCGCGGGTGGGGGCCGGACGGACGGACTGGGCCAGGGTCGG-3'
Protein context (NP_065873.2, residues 1156-1176): RMKHLGLPTT[Gly1166Ser]YDEMNDHQNT

ClinVar aggregate classification (germline): Conflicting classifications of pathogenicity. Review status: criteria provided, conflicting classifications (1 of 4 stars). 2 submissions from 2 submitters: Uncertain significance (1); Likely benign (1). Last evaluated 2026-01-13.

Conditions:
Autosomal dominant nocturnal frontal lobe epilepsy 5. Also called: Epilepsy, nocturnal frontal lobe, 5; CILIARY DYSKINESIA, PRIMARY, 28, WITHOUT SITUS INVERSUS; CILIARY DYSKINESIA, PRIMARY, 28, WITH SITUS INVERSUS; KCNT1-Related Epilepsy. Identifiers: Orphanet 98784, MedGen C3554306, MONDO:0014002, OMIM 615005.
Developmental and epileptic encephalopathy, 14 (DEE14). Also called: Early infantile epileptic encephalopathy 14. Identifiers: Orphanet 293181, MedGen C3554195, MONDO:0013989, OMIM 614959.
Inborn genetic diseases. Identifiers: MedGen C0950123, MeSH D030342.

Allele frequency attached by ClinVar (database versions not stated): gnomAD exomes 0.00004; TOPMed 0.00014; gnomAD 0.00025 and 0.00026.
gnomAD v4.1: 61 of 1,592,420 alleles (0.0038%); highest among the groups gnomAD compares: Admixed American, 0.086%; no homozygotes.

Submissions (2):

Labcorp Genetics (formerly Invitae), Labcorp
Classification: Uncertain significance for Autosomal dominant nocturnal frontal lobe epilepsy 5; Developmental and epileptic encephalopathy, 14. Last evaluated: 2026-01-13. Review status: criteria provided, single submitter. Criteria: Invitae Variant Classification Sherloc (09022015). Collection method: clinical testing. Allele origin: germline.
Comment: This sequence change replaces glycine, which is neutral and non-polar, with serine, which is neutral and polar, at codon 1166 of the KCNT1 protein (p.Gly1166Ser). The frequency data for this variant in the population databases is considered unreliable, as metrics indicate poor data quality at this position in the gnomAD database. This variant has not been reported in the literature in individuals affected with KCNT1-related conditions. ClinVar contains an entry for this variant (Variation ID: 853887). Invitae Evidence Modeling of protein sequence and biophysical properties (such as structural, functional, and spatial information, amino acid conservation, physicochemical variation, residue mobility, and thermodynamic stability) indicates that this missense variant is not expected to disrupt KCNT1 protein function with a negative predictive value of 80%. In summary, the available evidence is currently insufficient to determine the role of this variant in disease. Therefore, it has been classified as a Variant of Uncertain Significance.

Ambry Genetics
Classification: Likely benign for Inborn genetic diseases. Last evaluated: 2023-05-24. Review status: criteria provided, single submitter. Criteria: Ambry Variant Classification Scheme 2023. Collection method: clinical testing. Allele origin: germline.